The following is an entry in ClinVar:

NM_000051.4(ATM):c.7082T>C (p.Leu2361Pro)

Genes: C11orf65 (chromosome 11 open reading frame 65; minus strand), ATM (ATM serine/threonine kinase; plus strand). Cytogenetic location: 11q22.3.
Variant type: single nucleotide variant.
Coding change: c.7082T>C on transcript NM_000051.4 (MANE Select); coding-DNA position 7082, T replaced by C.
Protein change: p.Leu2361Pro; replaces leucine 2361 with proline.
Molecular consequence: missense variant. On other transcripts: intron variant (2).
Genome position (GRCh38, 1-based): chr11:108,327,751, T>C. VCF-style: chr11-108327751-T-C. GRCh37 (hg19) VCF-style: chr11-108198478-T-C.
Other names: c.7082T>C, p.Leu2361Pro (NM_001351834.2); c.641-18680A>G (NM_001330368.2); c.*38+7469A>G (NM_001351110.2); short protein forms L2361P.
Identifiers: ClinVar variation 861763 (VCV000861763.14), dbSNP rs1169558907, ClinGen allele CA382559181.

ClinVar aggregate classification (germline): Uncertain significance. Review status: criteria provided, multiple submitters, no conflicts (2 of 4 stars). 3 submissions from 3 submitters: Uncertain significance (3). Last evaluated 2023-05-30.

Conditions:
Familial cancer of breast. Also called: Hereditary breast cancer; BREAST CANCER, FAMILIAL; hereditary breast carcinoma. Identifiers: Orphanet 227535, MedGen C0346153, MONDO:0016419, OMIM 114480. Disease mechanism: loss of function.
Hereditary cancer-predisposing syndrome. Also called: Tumor predisposition; Neoplastic Syndromes, Hereditary; Hereditary Cancer Syndrome; Hereditary neoplastic syndrome. Identifiers: Orphanet 140162, MedGen C0027672, MeSH D009386, MONDO:0015356.
Ataxia-telangiectasia syndrome (AT). Also called: ATAXIA-TELANGIECTASIA, COMPLEMENTATION GROUP A; ATAXIA-TELANGIECTASIA, FRESNO VARIANT; Ataxia-telangiectasia; Ataxia-telangiectasia, complementation group D; AT, COMPLEMENTATION GROUP C; Ataxia-telangiectasia, complementation group E. Identifiers: Orphanet 100, MedGen C0004135, MONDO:0008840, OMIM 208900.

Allele frequency attached by ClinVar (database versions not stated): gnomAD exomes below 0.00001.
gnomAD v4.1: 1 of 1,613,210 alleles (0.000062%); highest among the groups gnomAD compares: South Asian, 0.0011%; no homozygotes.

Submissions (3):

KCCC/NGS Laboratory, Kuwait Cancer Control Center
Classification: Uncertain significance for Familial cancer of breast. Last evaluated: 2023-05-30. Review status: criteria provided, single submitter. Criteria: ACMG Guidelines, 2015. Collection method: clinical testing. Allele origin: unknown. Inheritance: Autosomal dominant inheritance. Affected: yes. Observed: 1 heterozygote.
Comment: a variant of uncertain significance in the ATM gene (p.Leu2361Pro) . This sequence change replaces leucine with proline at codon 2361 of the ATM protein (p.Leu2361Pro). The leucine residue is highly conserved and there is a moderate physicochemical difference between leucine and proline. This variant is not present in population databases (gnomAD no frequency). This variant has not been reported in the literature in individuals affected with ATM-related conditions. ClinVar contains an entry for this variant (Variation ID: 861763). Algorithms developed to predict the effect of missense changes on protein structure and function (SIFT, PolyPhen-2, Align-GVGD) all suggest that this variant is likely to be disruptive. In summary, the available evidence is currently insufficient to determine the role of this variant in disease. Therefore, it has been classified as a Variant of Uncertain Significance. Pathogenic/likely pathogenic mutations in the ATM gene cause susceptibility to breast cancer (OMIM 114480). Genetic counseling is recommended.

Labcorp Genetics (formerly Invitae), Labcorp
Classification: Uncertain significance for Ataxia-telangiectasia syndrome. Last evaluated: 2022-11-23. Review status: criteria provided, single submitter. Criteria: Invitae Variant Classification Sherloc (09022015). Collection method: clinical testing. Allele origin: germline.
Comment: The frequency data for this variant in the population databases is considered unreliable, as metrics indicate poor data quality at this position in the gnomAD database. This sequence change replaces leucine, which is neutral and non-polar, with proline, which is neutral and non-polar, at codon 2361 of the ATM protein (p.Leu2361Pro). This variant has not been reported in the literature in individuals affected with ATM-related conditions. ClinVar contains an entry for this variant (Variation ID: 861763). Algorithms developed to predict the effect of missense changes on protein structure and function (SIFT, PolyPhen-2, Align-GVGD) all suggest that this variant is likely to be disruptive. In summary, the available evidence is currently insufficient to determine the role of this variant in disease. Therefore, it has been classified as a Variant of Uncertain Significance.

Ambry Genetics
Classification: Uncertain significance for Hereditary cancer-predisposing syndrome. Last evaluated: 2022-07-22. Review status: criteria provided, single submitter. Criteria: Ambry Variant Classification Scheme 2023. Collection method: clinical testing. Allele origin: germline.
Comment: The p.L2361P variant (also known as c.7082T>C), located in coding exon 47 of the ATM gene, results from a T to C substitution at nucleotide position 7082. The leucine at codon 2361 is replaced by proline, an amino acid with similar properties. This alteration was identified in the homozygous state in two siblings with clinical manifestation of ataxia-telangiectasia, and cell lysates from one sibling showed radio-sensitivity and absence of ATM protein (Al-Herz W et al. Front Immunol, 2018 Jan;9:3146, personal communication). This amino acid position is highly conserved in available vertebrate species. In addition, this alteration is predicted to be deleterious by in silico analysis. Since supporting evidence is limited at this time, the clinical significance of this alteration remains unclear.

Literature cited by the submitters: PubMed 30697212 (cited by Ambry Genetics).